The following is an entry in ClinVar:

NM_012414.4(RAB3GAP2):c.33C>G (p.Phe11Leu)

Gene: RAB3GAP2 (RAB3 GTPase activating non-catalytic protein subunit 2; minus strand). Cytogenetic location: 1q41.
Variant type: single nucleotide variant.
Coding change: c.33C>G on transcript NM_012414.4 (MANE Select); coding-DNA position 33, C replaced by G.
Protein change: p.Phe11Leu; replaces phenylalanine 11 with leucine.
Molecular consequence: missense variant.
Genome position (GRCh38, 1-based): chr1:220,272,305, G>C on the plus strand (C>G on the coding strand, the complement: RAB3GAP2 is on the minus strand). VCF-style: chr1-220272305-G-C. GRCh37 (hg19) VCF-style: chr1-220445647-G-C.
Other names: short protein forms F11L.
Identifiers: ClinVar variation 1204990 (VCV001204990.10), dbSNP rs1446997240, ClinGen allele CA344734725.

ClinVar aggregate classification (germline): Conflicting classifications of pathogenicity. Review status: criteria provided, conflicting classifications (1 of 4 stars). 3 submissions from 3 submitters: Uncertain significance (2); Likely benign (1). Last evaluated 2025-02-22.

Conditions:
Martsolf syndrome (MARTS). Also called: Congenital cataract with intellectual disability and hypogonadotropic hypogonadism syndrome. Identifiers: Orphanet 1387, MedGen C0796037, MONDO:0023910.
Warburg micro syndrome 2 (WARBM2). Also called: MICRO SYNDROME 2. Identifiers: Orphanet 2510, MedGen C3280214, MONDO:0013641, OMIM 614225.
Inborn genetic diseases. Identifiers: MedGen C0950123, MeSH D030342.

Allele frequency attached by ClinVar (database versions not stated): gnomAD exomes 0.00002 and 0.00005; gnomAD 0.00013; TOPMed 0.00015.
gnomAD v4.1: 33 of 1,612,432 alleles (0.002%); highest among the groups gnomAD compares: Admixed American, 0.055%; no homozygotes.

Submissions (3):

Ambry Genetics
Classification: Uncertain significance for Inborn genetic diseases. Last evaluated: 2025-02-22. Review status: criteria provided, single submitter. Criteria: Ambry Variant Classification Scheme 2023. Collection method: clinical testing. Allele origin: germline.

Labcorp Genetics (formerly Invitae), Labcorp
Classification: Uncertain significance for Martsolf syndrome; Warburg micro syndrome 2. Last evaluated: 2022-08-20. Review status: criteria provided, single submitter. Criteria: Invitae Variant Classification Sherloc (09022015). Collection method: clinical testing. Allele origin: germline.
Comment: In summary, the available evidence is currently insufficient to determine the role of this variant in disease. Therefore, it has been classified as a Variant of Uncertain Significance. Algorithms developed to predict the effect of missense changes on protein structure and function are either unavailable or do not agree on the potential impact of this missense change (SIFT: "Tolerated"; PolyPhen-2: "Possibly Damaging"; Align-GVGD: "Class C0"). ClinVar contains an entry for this variant (Variation ID: 1204990). This variant has not been reported in the literature in individuals affected with RAB3GAP2-related conditions. This variant is present in population databases (no rsID available, gnomAD 0.03%). This sequence change replaces phenylalanine, which is neutral and non-polar, with leucine, which is neutral and non-polar, at codon 11 of the RAB3GAP2 protein (p.Phe11Leu).

GeneDx
Classification: Likely benign. Last evaluated: 2020-03-30. Review status: criteria provided, single submitter. Criteria: GeneDx Variant Classification Process June 2021. Collection method: clinical testing. Allele origin: germline. Affected: yes.
Comment: In silico analysis supports that this missense variant does not alter protein structure/function; Has not been previously published as pathogenic or benign to our knowledge